The following is an entry in ClinVar:

ClinVar aggregate classification (germline): Pathogenic. Review status: criteria provided, multiple submitters, no conflicts (2 of 4 stars). 2 submissions from 2 submitters: Pathogenic (2). Last evaluated 2025-03-26.

Submissions (2):

Mayo Clinic Laboratories, Mayo Clinic
Classification: Pathogenic. Last evaluated: 2025-03-26. Review status: criteria provided, single submitter. Criteria: ACMG Guidelines, 2015. Collection method: clinical testing. Allele origin: germline. Observed: 1 variant allele.
Comment: PM2_supporting, PS3_moderate, PVS1

Labcorp Genetics (formerly Invitae), Labcorp
Classification: Pathogenic. Last evaluated: 2024-10-12. Review status: criteria provided, single submitter. Criteria: Invitae Variant Classification Sherloc (09022015). Collection method: clinical testing. Allele origin: germline.
Comment: This sequence change affects a donor splice site in intron 8 of the SLC4A1 gene. It is expected to disrupt RNA splicing. Variants that disrupt the donor or acceptor splice site typically lead to a loss of protein function (PMID: 16199547), and loss-of-function variants in SLC4A1 are known to be pathogenic (PMID: 8943874, 10926824, 23255290). This variant is not present in population databases (gnomAD no frequency). Disruption of this splice site has been observed in individual(s) with autosomal dominant hereditary spherocytosis (PMID: 9326249). It has also been observed to segregate with disease in related individuals. This variant is also known as intron 8 (position +1 G > T) in the AE1 gene . Algorithms developed to predict the effect of sequence changes on RNA splicing suggest that this variant may disrupt the consensus splice site. For these reasons, this variant has been classified as Pathogenic.

Literature cited by the submitters: PubMed 9326249 (cited by Mayo Clinic Laboratories, Mayo Clinic and Labcorp Genetics (formerly Invitae), Labcorp); PubMed 16199547 (cited by Labcorp Genetics (formerly Invitae), Labcorp); PubMed 8943874 (cited by Labcorp Genetics (formerly Invitae), Labcorp); PubMed 10926824 (cited by Labcorp Genetics (formerly Invitae), Labcorp); PubMed 23255290 (cited by Labcorp Genetics (formerly Invitae), Labcorp).

NM_000342.4(SLC4A1):c.694+1G>T

Gene: SLC4A1 (solute carrier family 4 member 1 (Diego blood group); minus strand). Cytogenetic location: 17q21.31.
Variant type: single nucleotide variant.
Coding change: c.694+1G>T on transcript NM_000342.4 (MANE Select); the canonical splice donor site of the intron after coding-DNA position 694, G replaced by T.
Molecular consequence: splice donor variant.
Genome position (GRCh38, 1-based): chr17:44,259,496, C>A on the plus strand (G>T on the coding strand, the complement: SLC4A1 is on the minus strand). VCF-style: chr17-44259496-C-A. GRCh37 (hg19) VCF-style: chr17-42336864-C-A.
Other names: p.?.
Identifiers: ClinVar variation 3722821 (VCV003722821.3).